The following is an entry in ClinVar:

ClinVar aggregate classification (germline): Benign/Likely benign. Review status: criteria provided, multiple submitters, no conflicts (2 of 4 stars). 6 submissions from 6 submitters: Benign (1); Likely benign (5). Last evaluated 2025-11-18.

Conditions:
Familial cancer of breast. Also called: hereditary breast carcinoma; Hereditary breast cancer; BREAST CANCER, FAMILIAL. Identifiers: Orphanet 227535, MedGen C0346153, MONDO:0016419, OMIM 114480. Disease mechanism: loss of function.
Hereditary cancer-predisposing syndrome. Also called: Neoplastic Syndromes, Hereditary; Hereditary neoplastic syndrome; Hereditary Cancer Syndrome; Tumor predisposition. Identifiers: Orphanet 140162, MedGen C0027672, MeSH D009386, MONDO:0015356.
Ataxia-telangiectasia syndrome (AT). Also called: Ataxia-telangiectasia, complementation group D; Ataxia-telangiectasia, complementation group E; LOUIS-BAR SYNDROME; AT, COMPLEMENTATION GROUP C; ATAXIA-TELANGIECTASIA, COMPLEMENTATION GROUP A; ATAXIA-TELANGIECTASIA, FRESNO VARIANT. Identifiers: Orphanet 100, MedGen C0004135, MONDO:0008840, OMIM 208900.

Allele frequency attached by ClinVar (database versions not stated): gnomAD exomes below 0.00001; TOPMed 0.00001; gnomAD 0.00001 and 0.00002.
gnomAD v4.1: 6 of 1,612,196 alleles (0.00037%); highest among the groups gnomAD compares: African/African-American, 0.008%; no homozygotes.

Submissions (6):

Labcorp Genetics (formerly Invitae), Labcorp
Classification: Likely benign for Ataxia-telangiectasia syndrome. Last evaluated: 2025-11-18. Review status: criteria provided, single submitter. Criteria: Invitae Variant Classification Sherloc (09022015). Collection method: clinical testing. Allele origin: germline.

Color Diagnostics, LLC DBA Color Health
Classification: Likely benign for Hereditary cancer-predisposing syndrome. Last evaluated: 2024-08-26. Review status: criteria provided, single submitter. Criteria: ACMG Guidelines, 2015. Collection method: clinical testing. Allele origin: germline.

Myriad Genetics, Inc.
Classification: Benign for Familial cancer of breast. Last evaluated: 2024-06-10. Review status: criteria provided, single submitter. Criteria: Myriad Autosomal Dominant, Autosomal Recessive and X-Linked Classification Criteria (2023). Collection method: clinical testing. Allele origin: unknown.
Comment: This variant is considered benign. This variant is a silent/synonymous amino acid change and it is not expected to impact splicing.

GeneDx
Classification: Likely benign. Last evaluated: 2020-07-27. Review status: criteria provided, single submitter. Criteria: GeneDx Variant Classification Process June 2021. Collection method: clinical testing. Allele origin: germline. Affected: yes.

Women's Health and Genetics/Laboratory Corporation of America, LabCorp
Classification: Likely benign. Last evaluated: 2019-08-02. Review status: criteria provided, single submitter. Criteria: LabCorp Variant Classification Summary - May 2015. Collection method: clinical testing. Allele origin: germline.

Ambry Genetics
Classification: Likely benign for Hereditary cancer-predisposing syndrome. Last evaluated: 2017-02-15. Review status: criteria provided, single submitter. Criteria: Ambry Variant Classification Scheme 2023. Collection method: clinical testing. Allele origin: germline.

NM_000051.4(ATM):c.6774C>T (p.Leu2258=)

Genes: ATM (ATM serine/threonine kinase; plus strand), C11orf65 (chromosome 11 open reading frame 65; minus strand). Cytogenetic location: 11q22.3.
Variant type: single nucleotide variant.
Coding change: c.6774C>T on transcript NM_000051.4 (MANE Select); coding-DNA position 6774, C replaced by T.
Protein change: p.Leu2258=; no amino-acid change (leucine 2258 retained).
Molecular consequence: synonymous variant. On other transcripts: intron variant (2).
Genome position (GRCh38, 1-based): chr11:108,325,511, C>T. VCF-style: chr11-108325511-C-T. GRCh37 (hg19) VCF-style: chr11-108196238-C-T.
Other names: c.6774C>T, p.Leu2258= (NM_001351834.2); c.641-16440G>A (NM_001330368.2); c.*38+9709G>A (NM_001351110.2).
Identifiers: ClinVar variation 378992 (VCV000378992.17), dbSNP rs1057520450, ClinGen allele CA16606203.